The following is an entry in ClinVar:

NM_004560.4(ROR2):c.*712C>T

Gene: ROR2 (receptor tyrosine kinase like orphan receptor 2; minus strand). Cytogenetic location: 9q22.31.
Variant type: single nucleotide variant.
Coding change: c.*712C>T on transcript NM_004560.4 (MANE Select); 712 bases downstream of the stop codon, C replaced by T.
Molecular consequence: 3 prime UTR variant.
Genome position (GRCh38, 1-based): chr9:91,722,950, G>A on the plus strand (C>T on the coding strand, the complement: ROR2 is on the minus strand). VCF-style: chr9-91722950-G-A. GRCh37 (hg19) VCF-style: chr9-94485232-G-A.
Identifiers: ClinVar variation 367484 (VCV000367484.7), dbSNP rs1135150, ClinGen allele CA10630537.

ClinVar aggregate classification (germline): Benign. Review status: criteria provided, multiple submitters, no conflicts (2 of 4 stars). 4 submissions from 3 submitters: Benign (4). Last evaluated 2021-05-14.

Conditions:
Brachydactyly type B1 (BDB1). Identifiers: Orphanet 572385, Orphanet 93383, MedGen C1862112, MONDO:0007220, OMIM 113000.
Autosomal recessive Robinow syndrome (RRS1). Also called: ROBINOW SYNDROME, AUTOSOMAL RECESSIVE 1; COSTOVERTEBRAL SEGMENTATION DEFECT WITH MESOMELIA; COVESDEM SYNDROME; ROR2-Related Robinow Syndrome. Identifiers: Orphanet 1507, Orphanet 97360, MedGen C5399974, MONDO:0009999, OMIM 268310.

Allele frequency attached by ClinVar (database versions not stated): TOPMed 0.05744; gnomAD 0.05951 and 0.06276; gnomAD exomes 0.06780; 1000 Genomes Project 30x 0.07823; 1000 Genomes Project 0.07907.
gnomAD v4.1: 13,767 of 214,182 alleles (6.4%); highest among the groups gnomAD compares: East Asian, 14%; 613 homozygotes.

Submissions (4):

GeneDx
Classification: Benign. Last evaluated: 2021-05-14. Review status: criteria provided, single submitter. Criteria: GeneDx Variant Classification Process June 2021. Collection method: clinical testing. Allele origin: germline. Affected: yes.

Illumina Laboratory Services, Illumina
Classification: Benign for Autosomal recessive Robinow syndrome. Last evaluated: 2018-01-12. Review status: criteria provided, single submitter. Criteria: ICSL Variant Classification Criteria 13 December 2019. Collection method: clinical testing. Allele origin: germline.
Comment: This variant was observed in the ICSL laboratory as part of a predisposition screen in an ostensibly healthy population. It had not been previously curated by ICSL or reported in the Human Gene Mutation Database (HGMD: prior to June 1st, 2018), and was therefore a candidate for classification through an automated scoring system. Utilizing variant allele frequency, disease prevalence and penetrance estimates, and inheritance mode, an automated score was calculated to assess if this variant is too frequent to cause the disease. Based on the score and internal cut-off values, a variant classified as benign is not then subjected to further curation. The score for this variant resulted in a classification of benign for this disease.

Illumina Laboratory Services, Illumina
Classification: Benign for Brachydactyly type B1. Last evaluated: 2018-01-12. Review status: criteria provided, single submitter. Criteria: ICSL Variant Classification Criteria 13 December 2019. Collection method: clinical testing. Allele origin: germline.
Comment: the same text as in the submission from Illumina Laboratory Services, Illumina above.

Breakthrough Genomics
Classification: Benign. Review status: criteria provided, single submitter. Criteria: ACMG Guidelines, 2015. Collection method: not provided. Allele origin: germline. Inheritance: Autosomal recessive inheritance. Affected: yes.